The following is an entry in ClinVar:

NM_021098.3(CACNA1H):c.1654C>T (p.Arg552Ter)

Gene: CACNA1H (calcium voltage-gated channel subunit alpha1 H; plus strand). Cytogenetic location: 16p13.3.
Variant type: single nucleotide variant.
Coding change: c.1654C>T on transcript NM_021098.3 (MANE Select); coding-DNA position 1654, C replaced by T.
Protein change: p.Arg552Ter; replaces arginine 552 with a stop codon.
Molecular consequence: nonsense.
Genome position (GRCh38, 1-based): chr16:1,202,104, C>T. VCF-style: chr16-1202104-C-T. GRCh37 (hg19) VCF-style: chr16-1252104-C-T.
Other names: c.1654C>T, p.Arg552Ter (NM_001005407.2); short protein forms R552*.
Identifiers: ClinVar variation 1803065 (VCV001803065.3), dbSNP rs1050602820, ClinGen allele CA276651350.

ClinVar aggregate classification (germline): Conflicting classifications of pathogenicity. Review status: criteria provided, conflicting classifications (1 of 4 stars). 2 submissions from 2 submitters: Likely pathogenic (1); Uncertain significance (1). Last evaluated 2024-02-17.

Conditions:
Hyperaldosteronism, familial, type IV (HALD4). Also called: FH IV; ALDOSTERONISM, PRIMARY, AND HYPERTENSION. Identifiers: Orphanet 642671, MedGen C4310756, MONDO:0014875, OMIM 617027.
Idiopathic generalized epilepsy. Also called: Generalised epilepsy; EIG. Identifiers: MedGen C0270850, MONDO:0005579, OMIM 600669.
Epilepsy, childhood absence, susceptibility to, 6. Identifiers: Orphanet 64280, MedGen C2749872, MONDO:0012763, OMIM 611942.

Allele frequency attached by ClinVar (database versions not stated): TOPMed below 0.00001; gnomAD 0.00001.
gnomAD v4.1: 6 of 1,545,174 alleles (0.00039%); highest among the groups gnomAD compares: African/African-American, 0.0014%; no homozygotes.

Submissions (2):

Labcorp Genetics (formerly Invitae), Labcorp
Classification: Uncertain significance for Idiopathic generalized epilepsy; Hyperaldosteronism, familial, type IV. Last evaluated: 2024-02-17. Review status: criteria provided, single submitter. Criteria: Invitae Variant Classification Sherloc (09022015). Collection method: clinical testing. Allele origin: germline.
Comment: This sequence change creates a premature translational stop signal (p.Arg552*) in the CACNA1H gene. It is expected to result in an absent or disrupted protein product. However, the current clinical and genetic evidence is not sufficient to establish whether loss-of-function variants in CACNA1H cause disease. This variant is not present in population databases (gnomAD no frequency). This variant has not been reported in the literature in individuals affected with CACNA1H-related conditions. ClinVar contains an entry for this variant (Variation ID: 1803065). In summary, the available evidence is currently insufficient to determine the role of this variant in disease. Therefore, it has been classified as a Variant of Uncertain Significance.

Diagnostic Genetics, Severance Hospital, Yonsei University College of Medicine
Classification: Likely pathogenic for Epilepsy, childhood absence, susceptibility to, 6. Last evaluated: 2022-02-03. Review status: criteria provided, single submitter. Criteria: ACMG Guidelines, 2015. Collection method: clinical testing. Allele origin: de novo. Affected: yes.